The following is an entry in ClinVar:

NM_019066.5(MAGEL2):c.3115G>A (p.Val1039Met)

Gene: MAGEL2 (MAGE family member L2; minus strand). Cytogenetic location: 15q11.2.
Variant type: single nucleotide variant.
Coding change: c.3115G>A on transcript NM_019066.5 (MANE Select); coding-DNA position 3115, G replaced by A.
Protein change: p.Val1039Met; replaces valine 1039 with methionine.
Molecular consequence: missense variant.
Genome position (GRCh38, 1-based): chr15:23,644,628, C>T on the plus strand (G>A on the coding strand, the complement: MAGEL2 is on the minus strand). VCF-style: chr15-23644628-C-T. GRCh37 (hg19) VCF-style: chr15-23889775-C-T.
Other names: short protein forms V1039M.
Identifiers: ClinVar variation 1310639 (VCV001310639.9), dbSNP rs1431980186, ClinGen allele CA391325683.

ClinVar aggregate classification (germline): Uncertain significance. Review status: criteria provided, multiple submitters, no conflicts (2 of 4 stars). 4 submissions from 4 submitters: Uncertain significance (4). Last evaluated 2026-02-25.

Conditions:
MAGEL2-related disorder. Also called: MAGEL2-related condition.

Allele frequency attached by ClinVar (database versions not stated): gnomAD exomes 0.00001 and below 0.00001; TOPMed 0.00002; gnomAD 0.00001.

Submissions (4):

PreventionGenetics, part of Exact Sciences
Classification: Uncertain significance for MAGEL2-related condition. Last evaluated: 2026-02-25. Review status: criteria provided, single submitter. Criteria: ACMG Guidelines, 2015. Collection method: clinical testing. Allele origin: germline.
Comment: The MAGEL2 c.3115G>A variant is predicted to result in the amino acid substitution p.Val1039Met. To our knowledge, this variant has not been reported in the literature. This variant is reported in 0.0058% of alleles in individuals of Latino descent in gnomAD. At this time, the clinical significance of this variant is uncertain due to the absence of conclusive functional and genetic evidence.

Women's Health and Genetics/Laboratory Corporation of America, LabCorp
Classification: Uncertain significance. Last evaluated: 2024-11-06. Review status: criteria provided, single submitter. Criteria: LabCorp Variant Classification Summary - May 2015. Collection method: clinical testing. Allele origin: germline.
Comment: Variant summary: MAGEL2 c.3115G>A (p.Val1039Met) results in a conservative amino acid change located in the MAGE homology domain (IPR002190) of the encoded protein sequence. Two of three in-silico tools predict a benign effect of the variant on protein function. The variant allele was found at a frequency of 8e-06 in 249178 control chromosomes. The available data on variant occurrences in the general population are insufficient to allow any conclusion about variant significance. To our knowledge, no occurrence of c.3115G>A in individuals affected with Schaaf-Yang Syndrome and no experimental evidence demonstrating its impact on protein function have been reported. ClinVar contains an entry for this variant (Variation ID: 1310639). Based on the evidence outlined above, the variant was classified as uncertain significance.

Labcorp Genetics (formerly Invitae), Labcorp
Classification: Uncertain significance. Last evaluated: 2024-06-09. Review status: criteria provided, single submitter. Criteria: Invitae Variant Classification Sherloc (09022015). Collection method: clinical testing. Allele origin: germline.
Comment: This sequence change replaces valine, which is neutral and non-polar, with methionine, which is neutral and non-polar, at codon 1039 of the MAGEL2 protein (p.Val1039Met). This variant is present in population databases (no rsID available, gnomAD 0.006%). This variant has not been reported in the literature in individuals affected with MAGEL2-related conditions. ClinVar contains an entry for this variant (Variation ID: 1310639). Advanced modeling of protein sequence and biophysical properties (such as structural, functional, and spatial information, amino acid conservation, physicochemical variation, residue mobility, and thermodynamic stability) performed at Invitae indicates that this missense variant is not expected to disrupt MAGEL2 protein function with a negative predictive value of 80%. In summary, the available evidence is currently insufficient to determine the role of this variant in disease. Therefore, it has been classified as a Variant of Uncertain Significance.

GeneDx
Classification: Uncertain significance. Last evaluated: 2019-11-27. Review status: criteria provided, single submitter. Criteria: GeneDx Variant Classification Process June 2021. Collection method: clinical testing. Allele origin: germline. Affected: yes.
Comment: Has not been previously published as pathogenic or benign to our knowledge; In silico analysis, which includes protein predictors and evolutionary conservation, supports that this variant does not alter protein structure/function